The following is an entry in ClinVar:

ClinVar aggregate classification (germline): Uncertain significance (1 of 4 stars; one submission).

Conditions:
Hereditary breast ovarian cancer syndrome. Also called: Hereditary breast and ovarian cancer; Hereditary breast and ovarian cancer syndrome; Breast and ovarian cancer; BRCA1- and BRCA2-Associated Hereditary Breast and Ovarian Cancer; Hereditary breast and ovarian cancer syndrome (HBOC); Hereditary breast and/or ovarian cancer syndrome. Identifiers: Orphanet 145, MedGen C0677776, MeSH D061325, MONDO:0003582. Disease mechanism: loss of function.

Submission:

Labcorp Genetics (formerly Invitae), Labcorp
Classification: Uncertain significance for Hereditary breast ovarian cancer syndrome. Last evaluated: 2022-11-12. Review status: criteria provided, single submitter. Criteria: Invitae Variant Classification Sherloc (09022015). Collection method: clinical testing. Allele origin: germline.
Comment: This sequence change replaces threonine, which is neutral and polar, with serine, which is neutral and polar, at codon 1251 of the BRCA2 protein (p.Thr1251Ser). This variant is not present in population databases (gnomAD no frequency). This variant has not been reported in the literature in individuals affected with BRCA2-related conditions. Advanced modeling of protein sequence and biophysical properties (such as structural, functional, and spatial information, amino acid conservation, physicochemical variation, residue mobility, and thermodynamic stability) performed at Invitae indicates that this missense variant is not expected to disrupt BRCA2 protein function. In summary, the available evidence is currently insufficient to determine the role of this variant in disease. Therefore, it has been classified as a Variant of Uncertain Significance.

NM_000059.4(BRCA2):c.3751A>T (p.Thr1251Ser)

Gene: BRCA2 (BRCA2 DNA repair associated; plus strand). Cytogenetic location: 13q13.1.
Variant type: single nucleotide variant.
Coding change: c.3751A>T on transcript NM_000059.4 (MANE Select); coding-DNA position 3751, A replaced by T.
Protein change: p.Thr1251Ser; replaces threonine 1251 with serine.
Molecular consequence: missense variant. On other transcripts: non-coding transcript variant (1), intron variant (2).
Genome position (GRCh38, 1-based): chr13:32,338,106, A>T. VCF-style: chr13-32338106-A-T. GRCh37 (hg19) VCF-style: chr13-32912243-A-T.
Other names: c.3751A>T, p.Thr1251Ser (NM_001406719.1, NM_001406720.1); c.1909+4719A>T (NM_001406721.1); c.425-6452A>T (NM_001406722.1); short protein forms T1251S.
Identifiers: ClinVar variation 2813926 (VCV002813926.3), dbSNP rs2137499657, ClinGen allele CA387778184.